The following is an entry in ClinVar:

ClinVar aggregate classification (germline): Likely benign. Review status: criteria provided, multiple submitters, no conflicts (2 of 4 stars). 3 submissions from 3 submitters: Likely benign (3). Last evaluated 2026-09-12.

Conditions:
SYNE2-related disorder. Also called: SYNE2-related condition.
Emery-Dreifuss muscular dystrophy 5, autosomal dominant (EDMD5). Also called: EMERY-DREIFUSS MUSCULAR DYSTROPHY 5. Identifiers: Orphanet 261, MedGen C2751805, MONDO:0013072, OMIM 612999.

Allele frequency attached by ClinVar (database versions not stated): gnomAD exomes 0.00007; ExAC 0.00008; ESP Exome Variant Server 0.00026; gnomAD 0.00036 and 0.00041; TOPMed 0.00046; 1000 Genomes Project 0.00060; 1000 Genomes Project 30x 0.00062.
gnomAD v4.1: 186 of 1,614,092 alleles (0.012%); highest among the groups gnomAD compares: African/African-American, 0.093%; 1 homozygote.

Submissions (3):

PreventionGenetics, part of Exact Sciences
Classification: Likely benign for SYNE2-related condition. Last evaluated: 2026-09-12. Review status: criteria provided, single submitter. Criteria: ACMG Guidelines, 2015. Collection method: clinical testing. Allele origin: germline.
Comment: This variant is classified as likely benign based on ACMG/AMP sequence variant interpretation guidelines (Richards et al. 2015 PMID: 25741868, with internal and published modifications).

Labcorp Genetics (formerly Invitae), Labcorp
Classification: Likely benign for Emery-Dreifuss muscular dystrophy 5, autosomal dominant. Last evaluated: 2026-02-01. Review status: criteria provided, single submitter. Criteria: Invitae Variant Classification Sherloc (09022015). Collection method: clinical testing. Allele origin: germline.

CeGaT Center for Human Genetics Tuebingen
Classification: Likely benign. Last evaluated: 2023-03-01. Review status: criteria provided, single submitter. Criteria: CeGaT Center For Human Genetics Tuebingen Variant Classification Criteria Version 2. Collection method: clinical testing. Allele origin: germline. Affected: yes. Observed: 1 variant allele.
Comment: SYNE2: BP4, BP7

NM_182914.3(SYNE2):c.9231G>A (p.Pro3077=)

Gene: SYNE2 (spectrin repeat containing nuclear envelope protein 2; plus strand). Cytogenetic location: 14q23.2.
Variant type: single nucleotide variant.
Coding change: c.9231G>A on transcript NM_182914.3 (MANE Select); coding-DNA position 9231, G replaced by A.
Protein change: p.Pro3077=; no amino-acid change (proline 3077 retained).
Molecular consequence: synonymous variant.
Genome position (GRCh38, 1-based): chr14:64,053,144, G>A. VCF-style: chr14-64053144-G-A. GRCh37 (hg19) VCF-style: chr14-64519862-G-A.
Other names: c.9231G>A, p.Pro3077= (NM_015180.6).
Identifiers: ClinVar variation 538350 (VCV000538350.33), dbSNP rs199659722, ClinGen allele CA7221235.
Genomic context (GRCh38, chr14:64,053,144, plus strand): 5'-TATTGATTTGCAAATTAAGAAAATGACTGAAGTAGTACTAAAAGCTCCTGATAGCTCTCC[G>A]GAAAGCAGACGGCTCAATGCCCAAATTTTAAGTCAGAGAATTGAGAAAGCCAAGTGTTTA-3'
Protein context (NP_878918.2, residues 3067-3087): EVVLKAPDSS[Pro3077=]ESRRLNAQIL